The following is an entry in ClinVar:

NM_000751.2(CHRND):c.-394T>G

Gene: CHRND (cholinergic receptor nicotinic delta subunit; plus strand). Cytogenetic location: 2q37.1.
Variant type: single nucleotide variant.
Coding change: c.-394T>G on transcript NM_000751.2; 394 bases upstream of the start codon, T replaced by G.
Genome position (GRCh38, 1-based): chr2:232,525,822, T>G. VCF-style: chr2-232525822-T-G. GRCh37 (hg19) VCF-style: chr2-233390532-T-G.
Identifiers: ClinVar variation 673973 (VCV000673973.3), dbSNP rs75180050, ClinGen allele CA66949992.

ClinVar aggregate classification (germline): Likely benign (1 of 4 stars; one submission).

Allele frequency attached by ClinVar (database versions not stated): gnomAD 0.00848 and 0.00907; TOPMed 0.00965; 1000 Genomes Project 30x 0.00984; gnomAD exomes 0.00109; 1000 Genomes Project 0.00978.

Submission:

GeneDx
Classification: Likely benign. Last evaluated: 2018-06-19. Review status: criteria provided, single submitter. Criteria: GeneDx Variant Classification (06012015). Collection method: clinical testing. Allele origin: germline. Affected: yes.
Comment: This variant is considered likely benign or benign based on one or more of the following criteria: it is a conservative change, it occurs at a poorly conserved position in the protein, it is predicted to be benign by multiple in silico algorithms, and/or has population frequency not consistent with disease.